The following is an entry in ClinVar:

NM_001283009.2(RTEL1):c.3035C>T (p.Ala1012Val)

Genes: RTEL1 (regulator of telomere elongation helicase 1; plus strand), RTEL1-TNFRSF6B (RTEL1-TNFRSF6B readthrough (NMD candidate); plus strand). Cytogenetic location: 20q13.33.
Variant type: single nucleotide variant.
Coding change: c.3035C>T on transcript NM_001283009.2 (MANE Select); coding-DNA position 3035, C replaced by T.
Protein change: p.Ala1012Val; replaces alanine 1012 with valine.
Molecular consequence: missense variant. On other transcripts: non-coding transcript variant (1).
Genome position (GRCh38, 1-based): chr20:63,694,414, C>T. VCF-style: chr20-63694414-C-T. GRCh37 (hg19) VCF-style: chr20-62325767-C-T.
Other names: c.2366C>T, p.Ala789Val (NM_001283010.1); c.3035C>T, p.Ala1012Val (NM_016434.4); c.3107C>T, p.Ala1036Val (NM_032957.5); short protein forms A1012V, A1036V, A789V.
Identifiers: ClinVar variation 4863521 (VCV004863521.1).
Genomic context (GRCh38, chr20:63,694,414, plus strand): 5'-TCTACATCTCTTCATCAGGAAGAACGGCGCCGGATCCCAAGCTGACCGTGTCCACGGCTG[C>T]AGCCCAGCAGCTGGACCCCCAAGAGCACCTGAACCAGGGCAGGCCCCACCTGTCGCCCAG-3'
Protein context (NP_001269938.1, residues 1002-1022): PDPKLTVSTA[Ala1012Val]AQQLDPQEHL

ClinVar aggregate classification (germline): Uncertain significance (1 of 4 stars; one submission).

Conditions:
Inborn genetic diseases. Identifiers: MedGen C0950123, MeSH D030342.

gnomAD v4.1: 1 of 1,612,304 alleles (0.000062%); highest among the groups gnomAD compares: African/African-American, 0.0013%; no homozygotes.

Submission:

Ambry Genetics
Classification: Uncertain significance for Inborn genetic diseases. Last evaluated: 2026-03-23. Review status: criteria provided, single submitter. Criteria: Ambry Variant Classification Scheme 2023. Collection method: clinical testing. Allele origin: germline.
Comment: The p.A1012V variant (also known as c.3035C>T), located in coding exon 30 of the RTEL1 gene, results from a C to T substitution at nucleotide position 3035. The alanine at codon 1012 is replaced by valine, an amino acid with similar properties. This amino acid position is conserved. In addition, this alteration is predicted to be tolerated by in silico analysis. Based on the available evidence, the clinical significance of this variant remains unclear.